The following is an entry in ClinVar:

NM_019888.3(MC3R):c.170T>C (p.Ile57Thr)

Gene: MC3R (melanocortin 3 receptor; plus strand). Cytogenetic location: 20q13.2.
Variant type: single nucleotide variant.
Coding change: c.170T>C on transcript NM_019888.3 (MANE Select); coding-DNA position 170, T replaced by C.
Protein change: p.Ile57Thr; replaces isoleucine 57 with threonine.
Molecular consequence: missense variant.
Genome position (GRCh38, 1-based): chr20:56,249,013, T>C. VCF-style: chr20-56249013-T-C. GRCh37 (hg19) VCF-style: chr20-54824069-T-C.
Other names: short protein forms I57T.
Identifiers: ClinVar variation 2629350 (VCV002629350.2), dbSNP rs372944947, ClinGen allele CA9916943.

ClinVar aggregate classification (germline): Uncertain significance (1 of 4 stars; one submission).

Conditions:
MC3R-related disorder. Also called: MC3R-related condition.

Allele frequency attached by ClinVar (database versions not stated): gnomAD exomes 0.00006; ESP Exome Variant Server 0.00008; ExAC 0.00002; TOPMed 0.00002.

Submission:

PreventionGenetics, part of Exact Sciences
Classification: Uncertain significance for MC3R-related condition. Last evaluated: 2026-04-14. Review status: criteria provided, single submitter. Criteria: ACMG Guidelines, 2015. Collection method: clinical testing. Allele origin: germline.
Comment: The MC3R c.170T>C variant is predicted to result in the amino acid substitution p.Ile57Thr. To our knowledge, this variant has not been reported in the literature. This variant is reported in 0.0053% of alleles in individuals of European (non-Finnish) descent in gnomAD. At this time, the clinical significance of this variant is uncertain due to the absence of conclusive functional and genetic evidence.